The following is an entry in ClinVar:

NM_001349.4(DARS1):c.1107-10T>C

Gene: DARS1 (aspartyl-tRNA synthetase 1; minus strand). Cytogenetic location: 2q21.3.
Variant type: single nucleotide variant.
Coding change: c.1107-10T>C on transcript NM_001349.4 (MANE Select); 10 bases into the intron before coding-DNA position 1107, T replaced by C.
Molecular consequence: intron variant.
Genome position (GRCh38, 1-based): chr2:135,914,521, A>G on the plus strand (T>C on the coding strand, the complement: DARS1 is on the minus strand). VCF-style: chr2-135914521-A-G. GRCh37 (hg19) VCF-style: chr2-136672091-A-G.
Other names: c.807-10T>C (NM_001293312.1).
Identifiers: ClinVar variation 3043641 (VCV003043641.2), dbSNP rs201935657, ClinGen allele CA1889569.

ClinVar aggregate classification (germline): Likely benign (0 of 4 stars; one submission).

Conditions:
DARS1-related disorder. Also called: DARS1-related condition.

Allele frequency attached by ClinVar (database versions not stated): 1000 Genomes Project 30x 0.00031; 1000 Genomes Project 0.00040; gnomAD exomes 0.00002; ExAC 0.00005; TOPMed 0.00014; gnomAD 0.00015.
gnomAD v4.1: 47 of 1,394,732 alleles (0.0034%); highest among the groups gnomAD compares: African/African-American, 0.055%; no homozygotes.

Submission:

PreventionGenetics, part of Exact Sciences
Classification: Likely benign for DARS1-related condition. Last evaluated: 2019-06-03. Review status: no assertion criteria provided. Collection method: clinical testing. Allele origin: germline.
Comment: This variant is classified as likely benign based on ACMG/AMP sequence variant interpretation guidelines (Richards et al. 2015 PMID: 25741868, with internal and published modifications).